The following is an entry in ClinVar:

NM_080732.4(EGLN2):c.19C>G (p.Pro7Ala)

Genes: EGLN2 (egl-9 family hypoxia inducible factor 2; plus strand), RAB4B-EGLN2 (RAB4B-EGLN2 readthrough (NMD candidate); plus strand). Cytogenetic location: 19q13.2.
Variant type: single nucleotide variant.
Coding change: c.19C>G on transcript NM_080732.4 (MANE Select); coding-DNA position 19, C replaced by G.
Protein change: p.Pro7Ala; replaces proline 7 with alanine.
Molecular consequence: missense variant. On other transcripts: non-coding transcript variant (1).
Genome position (GRCh38, 1-based): chr19:40,800,591, C>G. VCF-style: chr19-40800591-C-G. GRCh37 (hg19) VCF-style: chr19-41306496-C-G.
Other names: c.19C>G, p.Pro7Ala (NM_053046.4); short protein forms P7A.
Identifiers: ClinVar variation 1784153 (VCV001784153.2), dbSNP rs2515992433, ClinGen allele CA405954397.

ClinVar aggregate classification (germline): Uncertain significance (1 of 4 stars; one submission).

Allele frequency attached by ClinVar (database versions not stated): gnomAD exomes below 0.00001.
gnomAD v4.1: 1 of 1,605,372 alleles (0.000062%); highest among the groups gnomAD compares: Non-Finnish European, 0.000085%; no homozygotes.

Submission:

Ambry Genetics
Classification: Uncertain significance. Last evaluated: 2022-05-22. Review status: criteria provided, single submitter. Criteria: Ambry Variant Classification Scheme 2023. Collection method: clinical testing. Allele origin: germline.
Comment: The p.P7A variant (also known as c.19C>G), located in coding exon 1 of the EGLN2 gene, results from a C to G substitution at nucleotide position 19. The proline at codon 7 is replaced by alanine, an amino acid with highly similar properties. This amino acid position is conserved. In addition, this alteration is predicted to be tolerated by in silico analysis. Since supporting evidence is limited at this time, the clinical significance of this alteration remains unclear.